The following is an entry in ClinVar:

NM_000428.3(LTBP2):c.818C>G (p.Ser273Trp)

Gene: LTBP2 (latent transforming growth factor beta binding protein 2; minus strand). Cytogenetic location: 14q24.3.
Variant type: single nucleotide variant.
Coding change: c.818C>G on transcript NM_000428.3 (MANE Select); coding-DNA position 818, C replaced by G.
Protein change: p.Ser273Trp; replaces serine 273 with tryptophan.
Molecular consequence: missense variant.
Genome position (GRCh38, 1-based): chr14:74,585,866, G>C on the plus strand (C>G on the coding strand, the complement: LTBP2 is on the minus strand). VCF-style: chr14-74585866-G-C. GRCh37 (hg19) VCF-style: chr14-75052569-G-C.
Other names: c.818C>G (NM_000428.2); short protein forms S273W.
Identifiers: ClinVar variation 2091723 (VCV002091723.5), dbSNP rs143282840, ClinGen allele CA7270086.
Genomic context (GRCh38, chr14:74,585,866, plus strand): 5'-AAAGAGACTGAGCCCCAGACCCCAAGCCCCATGGAGAAGGGGACTTACCCAGCTGGTGGC[G>C]ACTGTGGTGCGGGCGGCGACTGTGGTGCTGGCGGCTGTGCTCTGGCCAAGGTGCCCTCTC-3'
Protein context (NP_000419.1, residues 263-283): PAPQSPPAPQ[Ser273Trp]PPAGTLSGLS

ClinVar aggregate classification (germline): Uncertain significance. Review status: criteria provided, multiple submitters, no conflicts (2 of 4 stars). 2 submissions from 2 submitters: Uncertain significance (2). Last evaluated 2024-08-01.

Conditions:
Inborn genetic diseases. Identifiers: MedGen C0950123, MeSH D030342.

gnomAD v4.1: 38 of 1,613,172 alleles (0.0024%); highest among the groups gnomAD compares: South Asian, 0.036%; 1 homozygote.

Submissions (2):

Ambry Genetics
Classification: Uncertain significance for Inborn genetic diseases. Last evaluated: 2024-08-01. Review status: criteria provided, single submitter. Criteria: Ambry Variant Classification Scheme 2023. Collection method: clinical testing. Allele origin: germline.

Labcorp Genetics (formerly Invitae), Labcorp
Classification: Uncertain significance. Last evaluated: 2022-05-12. Review status: criteria provided, single submitter. Criteria: Invitae Variant Classification Sherloc (09022015). Collection method: clinical testing. Allele origin: germline.
Comment: This sequence change replaces serine, which is neutral and polar, with tryptophan, which is neutral and slightly polar, at codon 273 of the LTBP2 protein (p.Ser273Trp). This variant is present in population databases (rs143282840, gnomAD 0.05%). This variant has not been reported in the literature in individuals affected with LTBP2-related conditions. Algorithms developed to predict the effect of missense changes on protein structure and function are either unavailable or do not agree on the potential impact of this missense change (SIFT: "Deleterious"; PolyPhen-2: "Benign"; Align-GVGD: "Class C0"). In summary, the available evidence is currently insufficient to determine the role of this variant in disease. Therefore, it has been classified as a Variant of Uncertain Significance.